The following is an entry in ClinVar:

NC_012920.1(MT-TF):m.603A>G

Gene: MT-TF (mitochondrially encoded tRNA phenylalanine; plus strand).
Variant type: single nucleotide variant.
Genome position: chrM-603-A-G.
Identifiers: ClinVar variation 689816 (VCV000689816.1), dbSNP rs1603218456, ClinGen allele CA913175586.

ClinVar aggregate classification (germline): Likely benign (1 of 4 stars; one submission).

Conditions:
MELAS syndrome (MELAS). Also called: Juvenile myopathy, encephalopathy, lactic acidosis, stroke. Identifiers: Orphanet 550, MedGen C0162671, MONDO:0010789, OMIM 540000.

Submission:

Wong Mito Lab, Molecular and Human Genetics, Baylor College of Medicine
Classification: Likely benign for MELAS syndrome. Last evaluated: 2019-07-12. Review status: criteria provided, single submitter. Criteria: Modified ACMG Guidelines (Unpublished). Collection method: clinical testing. Allele origin: germline.
Comment: The NC_012920.1:m.603A>G variant in MT-TF gene is interpreted to be a Likely Benign variant based on the modified ACMG guidelines (unpublished). This variant meets the following evidence codes reported in the guidelines: BS1, BP4, BP6

Literature cited by the submitters: PubMed 31965079.